The following is an entry in ClinVar:

NM_014000.3(VCL):c.571T>C (p.Leu191=)

Gene: VCL (vinculin; plus strand). Cytogenetic location: 10q22.2.
Variant type: single nucleotide variant.
Coding change: c.571T>C on transcript NM_014000.3 (MANE Select); coding-DNA position 571, T replaced by C.
Protein change: p.Leu191=; no amino-acid change (leucine 191 retained).
Molecular consequence: synonymous variant.
Genome position (GRCh38, 1-based): chr10:74,072,801, T>C. VCF-style: chr10-74072801-T-C. GRCh37 (hg19) VCF-style: chr10-75832559-T-C.
Other names: c.571T>C, p.Leu191= (NM_003373.4).
Identifiers: ClinVar variation 669858 (VCV000669858.16), dbSNP rs370334093, ClinGen allele CA5562802.

ClinVar aggregate classification (germline): Likely benign. Review status: criteria provided, multiple submitters, no conflicts (2 of 4 stars). 4 submissions from 4 submitters: Likely benign (4). Last evaluated 2026-01-19.

Conditions:
Dilated cardiomyopathy 1W (CMD1W). Identifiers: Orphanet 154, MedGen C1969639, MONDO:0012667, OMIM 611407.
VCL-related disorder. Also called: VCL-related condition.
Cardiovascular phenotype. Identifiers: MedGen CN230736.

Allele frequency attached by ClinVar (database versions not stated): gnomAD exomes 0.00004 and 0.00006; ExAC 0.00007; ESP Exome Variant Server 0.00015; gnomAD 0.00021; TOPMed 0.00021; 1000 Genomes Project 0.00060; 1000 Genomes Project 30x 0.00094.
gnomAD v4.1: 84 of 1,614,182 alleles (0.0052%); highest among the groups gnomAD compares: African/African-American, 0.063%; no homozygotes.

Submissions (4):

Labcorp Genetics (formerly Invitae), Labcorp
Classification: Likely benign for Dilated cardiomyopathy 1W. Last evaluated: 2026-01-19. Review status: criteria provided, single submitter. Criteria: Invitae Variant Classification Sherloc (09022015). Collection method: clinical testing. Allele origin: germline.

PreventionGenetics, part of Exact Sciences
Classification: Likely benign for VCL-related condition. Last evaluated: 2025-09-04. Review status: criteria provided, single submitter. Criteria: ACMG Guidelines, 2015. Collection method: clinical testing. Allele origin: germline.
Comment: This variant is classified as likely benign based on ACMG/AMP sequence variant interpretation guidelines (Richards et al. 2015 PMID: 25741868, with internal and published modifications).

Ambry Genetics
Classification: Likely benign for Cardiovascular phenotype. Last evaluated: 2020-06-28. Review status: criteria provided, single submitter. Criteria: Ambry Variant Classification Scheme 2023. Collection method: clinical testing. Allele origin: germline.

GeneDx
Classification: Likely benign. Last evaluated: 2019-06-14. Review status: criteria provided, single submitter. Criteria: GeneDx Variant Classification Process June 2021. Collection method: clinical testing. Allele origin: germline. Affected: yes.